The following is an entry in ClinVar:

NM_015001.3(SPEN):c.9631A>G (p.Arg3211Gly)

Gene: SPEN (spen family transcriptional repressor; plus strand). Cytogenetic location: 1p36.13.
Variant type: single nucleotide variant.
Coding change: c.9631A>G on transcript NM_015001.3 (MANE Select); coding-DNA position 9631, A replaced by G.
Protein change: p.Arg3211Gly; replaces arginine 3211 with glycine.
Molecular consequence: missense variant.
Genome position (GRCh38, 1-based): chr1:15,935,871, A>G. VCF-style: chr1-15935871-A-G. GRCh37 (hg19) VCF-style: chr1-16262366-A-G.
Other names: short protein forms R3211G.
Identifiers: ClinVar variation 2580014 (VCV002580014.2), dbSNP rs2071269531, ClinGen allele CA338658394.

ClinVar aggregate classification (germline): Uncertain significance (1 of 4 stars; one submission).

Allele frequency attached by ClinVar (database versions not stated): TOPMed 0.00001.

Submission:

GeneDx
Classification: Uncertain significance. Last evaluated: 2024-02-07. Review status: criteria provided, single submitter. Criteria: GeneDx Variant Classification Process June 2021. Collection method: clinical testing. Allele origin: germline.
Comment: Not observed at significant frequency in large population cohorts (gnomAD); In silico analysis supports that this missense variant has a deleterious effect on protein structure/function; Has not been previously published as pathogenic or benign to our knowledge